The following is an entry in ClinVar:

ClinVar aggregate classification (germline): Uncertain significance (1 of 4 stars; one submission).

Conditions:
BRCA2-related cancer predisposition. Identifiers: MedGen CN377758, MONDO:0700269.

Submission:

All of Us Research Program, National Institutes of Health
Classification: Uncertain significance for BRCA2-related cancer predisposition. Last evaluated: 2024-03-05. Review status: criteria provided, single submitter. Criteria: ACMG Guidelines, 2015. Collection method: clinical testing. Allele origin: germline. Inheritance: Autosomal dominant inheritance. Observed: 1 variant allele, 1 heterozygote.
Comment: This study involves interpretation of variants in research participants for the purpose of population health screening. Participant phenotype was not available at the time of variant classification. Additional details can be found in publication PMID: 35346344, PMCID: PMC8962531

NM_000059.4(BRCA2):c.4480A>T (p.Ser1494Cys)

Gene: BRCA2 (BRCA2 DNA repair associated; plus strand). Cytogenetic location: 13q13.1.
Variant type: single nucleotide variant.
Coding change: c.4480A>T on transcript NM_000059.4 (MANE Select); coding-DNA position 4480, A replaced by T.
Protein change: p.Ser1494Cys; replaces serine 1494 with cysteine.
Molecular consequence: missense variant. On other transcripts: non-coding transcript variant (1), intron variant (2).
Genome position (GRCh38, 1-based): chr13:32,338,835, A>T. VCF-style: chr13-32338835-A-T. GRCh37 (hg19) VCF-style: chr13-32912972-A-T.
Other names: c.4480A>T, p.Ser1494Cys (NM_001406719.1, NM_001406720.1, NM_001432077.1); c.1909+5448A>T (NM_001406721.1); c.425-5723A>T (NM_001406722.1); short protein forms S1494C.
Identifiers: ClinVar variation 3386247 (VCV003386247.1).